The following is an entry in ClinVar:

NM_007315.4(STAT1):c.1999_2000del (p.Leu667fs)

Gene: STAT1 (signal transducer and activator of transcription 1; minus strand). Cytogenetic location: 2q32.2.
Variant type: Deletion.
Coding change: c.1999_2000del on transcript NM_007315.4 (MANE Select); coding-DNA positions 1999 to 2000, 2 bases deleted (CT; older notation c.1999_2000delCT).
Protein change: p.Leu667fs; shifts the reading frame from leucine 667.
Molecular consequence: frameshift variant. On other transcripts: intron variant (1).
Genome position (GRCh38, 1-based): chr2:190,976,899-190,976,900, AG deleted on the plus strand (CT on the coding strand, the reverse complement: STAT1 is on the minus strand); deleting any 2 consecutive bases within chr2:190,976,899-190,976,901 gives the same sequence; the c. name uses the placement nearest the transcript's 3' end. VCF-style (leftmost placement, unchanged base first): chr2-190976898-CAG-C. GRCh37 (hg19) VCF-style: chr2-191841624-CAG-C.
Other names: c.1939_1940del, p.Leu647fs (NM_001384880.1); c.2005_2006del, p.Leu669fs (NM_001384881.1); c.1993_1994del, p.Leu665fs (NM_001384882.1); c.1900_1901del, p.Leu634fs (NM_001384883.1); c.1840_1841del, p.Leu614fs (NM_001384885.1); c.1999_2000del, p.Leu667fs (NM_001384886.1, NM_001384889.1, NM_139266.3); c.1906_1907del, p.Leu636fs (NM_001384887.1); c.1969_1970del, p.Leu657fs (NM_001384888.1); and 3 more; short protein forms L614fs, L679fs, L634fs, L657fs, L636fs, L637fs, L665fs, L667fs.
Identifiers: ClinVar variation 1354984 (VCV001354984.6), dbSNP rs2125000306, ClinGen allele CA2573134308.
Genomic context (GRCh38, chr2:190,976,898, plus strand): 5'-ACCTTCCTTTGGCCTGGAGTAATACTTTCCAAAGGCATGGTCTTTGTCAATATTTGGATA[CAG>C]ATACTTCAGGGGATTCTCAGGAATATTCTCAGCAGCCATGACTTTGTAATTGCGAATGAT-3'

ClinVar aggregate classification (germline): Pathogenic (1 of 4 stars; one submission).

Conditions:
Immunodeficiency 31B. Also called: IMMUNODEFICIENCY 31B, MYCOBACTERIAL AND VIRAL INFECTIONS, AUTOSOMAL RECESSIVE; STAT1 DEFICIENCY, AUTOSOMAL RECESSIVE. Identifiers: Orphanet 391311, MedGen C3151088, MONDO:0013427, OMIM 613796.
Autoimmune enteropathy and endocrinopathy - susceptibility to chronic infections syndrome. Also called: Immunodeficiency 31C; Immunodeficiency 31C, autosomal dominant. Identifiers: Orphanet 391487, MedGen C3279990, MONDO:0013599, OMIM 614162.
Mendelian susceptibility to mycobacterial diseases due to partial STAT1 deficiency. Also called: Immunodeficiency 31a; IMMUNODEFICIENCY 31A, MYCOBACTERIOSIS, AUTOSOMAL DOMINANT; STAT1 DEFICIENCY, AUTOSOMAL DOMINANT. Identifiers: Orphanet 319595, MedGen C4013950, MONDO:0013956, OMIM 614892.

Submission:

Labcorp Genetics (formerly Invitae), Labcorp
Classification: Pathogenic for Mendelian susceptibility to mycobacterial diseases due to partial STAT1 deficiency; Immunodeficiency 31B; Autoimmune enteropathy and endocrinopathy - susceptibility to chronic infections syndrome. Last evaluated: 2023-07-10. Review status: criteria provided, single submitter. Criteria: Invitae Variant Classification Sherloc (09022015). Collection method: clinical testing. Allele origin: germline.
Comment: For these reasons, this variant has been classified as Pathogenic. Algorithms developed to predict the effect of sequence changes on RNA splicing suggest that this variant may create or strengthen a splice site. ClinVar contains an entry for this variant (Variation ID: 1354984). This variant has not been reported in the literature in individuals affected with STAT1-related conditions. This variant is not present in population databases (gnomAD no frequency). This sequence change creates a premature translational stop signal (p.Leu667Valfs*5) in the STAT1 gene. It is expected to result in an absent or disrupted protein product. Loss-of-function variants in STAT1 are known to be pathogenic (PMID: 22651901).

Literature cited by the submitters: PubMed 22651901.